The following is an entry in ClinVar:

NM_015450.3(POT1):c.719del (p.Arg240fs)

Gene: POT1 (protection of telomeres 1; minus strand). Cytogenetic location: 7q31.33.
Variant type: Deletion.
Coding change: c.719del on transcript NM_015450.3 (MANE Select); coding-DNA position 719, one base deleted (G; older notation c.719delG).
Protein change: p.Arg240fs; shifts the reading frame from arginine 240.
Molecular consequence: frameshift variant. On other transcripts: non-coding transcript variant (3).
Genome position (GRCh38, 1-based): chr7:124,853,122, C deleted on the plus strand (G on the coding strand, the reverse complement: POT1 is on the minus strand). VCF-style (leftmost placement, unchanged base first): chr7-124853121-TC-T. GRCh37 (hg19) VCF-style: chr7-124493175-TC-T.
Other names: c.326del, p.Arg109fs (NM_001042594.2); short protein forms R240fs, R109fs.
Identifiers: ClinVar variation 1439061 (VCV001439061.6), dbSNP rs2116505279, ClinGen allele CA2573141567.

ClinVar aggregate classification (germline): Pathogenic (1 of 4 stars; one submission).

Conditions:
Tumor predisposition syndrome 3 (TPDS3). Also called: LONG TELOMERE SYNDROME, POT1-RELATED; POT1 Tumor Predisposition; Glioma susceptibility 9; Melanoma, cutaneous malignant, susceptibility to, 10. Identifiers: Orphanet 618, MedGen C4014476, MONDO:0014368, OMIM 615848.

Submission:

Labcorp Genetics (formerly Invitae), Labcorp
Classification: Pathogenic for Tumor predisposition syndrome 3. Last evaluated: 2021-11-15. Review status: criteria provided, single submitter. Criteria: Invitae Variant Classification Sherloc (09022015). Collection method: clinical testing. Allele origin: germline.
Comment: This variant has not been reported in the literature in individuals affected with POT1-related conditions. For these reasons, this variant has been classified as Pathogenic. This variant is not present in population databases (gnomAD no frequency). This sequence change creates a premature translational stop signal (p.Arg240Lysfs*12) in the POT1 gene. It is expected to result in an absent or disrupted protein product. Loss-of-function variants in POT1 are known to be pathogenic (PMID: 32155570).

Literature cited by the submitters: PubMed 32155570.